The following is an entry in ClinVar:

NM_004750.5(CRLF1):c.976A>G (p.Ile326Val)

Gene: CRLF1 (cytokine receptor like factor 1; minus strand). Cytogenetic location: 19p13.11.
Variant type: single nucleotide variant.
Coding change: c.976A>G on transcript NM_004750.5 (MANE Select); coding-DNA position 976, A replaced by G.
Protein change: p.Ile326Val; replaces isoleucine 326 with valine.
Molecular consequence: missense variant.
Genome position (GRCh38, 1-based): chr19:18,596,670, T>C on the plus strand (A>G on the coding strand, the complement: CRLF1 is on the minus strand). VCF-style: chr19-18596670-T-C. GRCh37 (hg19) VCF-style: chr19-18707480-T-C.
Other names: c.976A>G (NM_004750.4); short protein forms I326V.
Identifiers: ClinVar variation 2172866 (VCV002172866.3), dbSNP rs752834862, ClinGen allele CA9314042.
Genomic context (GRCh38, chr19:18,596,670, plus strand): 5'-GAGGGTGCTCACCACTGCGGGGAGTGGAGGCGGCTGTGGGGTGGCTCCACTCACTCCAGA[T>C]CCCGGCTTTCTTGGAGCCATAGATGCCAAAGGGGTTGCAGCGCACTTGCACGAAGTACAC-3'
Protein context (NP_004741.1, residues 316-336): FGIYGSKKAG[Ile326Val]WSEWSHPTAA

ClinVar aggregate classification (germline): Uncertain significance. Review status: criteria provided, multiple submitters, no conflicts (2 of 4 stars). 3 submissions from 3 submitters: Uncertain significance (3). Last evaluated 2024-08-27.

Conditions:
Inborn genetic diseases. Identifiers: MedGen C0950123, MeSH D030342.

Allele frequency attached by ClinVar (database versions not stated): gnomAD 0.00001; gnomAD exomes 0.00002; TOPMed 0.00005; ExAC 0.00007.
gnomAD v4.1: 29 of 1,613,892 alleles (0.0018%); highest among the groups gnomAD compares: Admixed American, 0.045%; no homozygotes.

Submissions (3):

Ambry Genetics
Classification: Uncertain significance for Inborn genetic diseases. Last evaluated: 2024-08-27. Review status: criteria provided, single submitter. Criteria: Ambry Variant Classification Scheme 2023. Collection method: clinical testing. Allele origin: germline.

Labcorp Genetics (formerly Invitae), Labcorp
Classification: Uncertain significance. Last evaluated: 2022-08-12. Review status: criteria provided, single submitter. Criteria: Invitae Variant Classification Sherloc (09022015). Collection method: clinical testing. Allele origin: germline.
Comment: This sequence change replaces isoleucine, which is neutral and non-polar, with valine, which is neutral and non-polar, at codon 326 of the CRLF1 protein (p.Ile326Val). This variant is present in population databases (rs752834862, gnomAD 0.06%). This variant has not been reported in the literature in individuals affected with CRLF1-related conditions. Algorithms developed to predict the effect of missense changes on protein structure and function (SIFT, PolyPhen-2, Align-GVGD) all suggest that this variant is likely to be tolerated. Algorithms developed to predict the effect of sequence changes on RNA splicing suggest that this variant may disrupt the consensus splice site. In summary, the available evidence is currently insufficient to determine the role of this variant in disease. Therefore, it has been classified as a Variant of Uncertain Significance.

Breakthrough Genomics
Classification: Uncertain significance. Review status: criteria provided, single submitter. Criteria: ACMG Guidelines, 2015. Collection method: not provided. Allele origin: germline. Inheritance: Autosomal dominant inheritance. Affected: yes.